The following is an entry in ClinVar:

NM_001042492.3(NF1):c.6374_6377delinsAC (p.Leu2125fs)

Gene: NF1 (neurofibromin 1; plus strand). Cytogenetic location: 17q11.2.
Variant type: Indel.
Coding change: c.6374_6377delinsAC on transcript NM_001042492.3 (MANE Select); coding-DNA positions 6374 to 6377, TGGT replaced by AC.
Protein change: p.Leu2125fs; shifts the reading frame from leucine 2125.
Molecular consequence: frameshift variant.
Genome position (GRCh38, 1-based): chr17:31,336,861-31,336,864, TGGT replaced by AC. VCF-style: chr17-31336861-TGGT-AC. GRCh37 (hg19) VCF-style: chr17-29663879-TGGT-AC.
Other names: c.6311_6314delTGGTinsAC (NM_000267.3); c.6311_6314delTGGTinsAC, p.Leu2104Hisfs (NM_000267.4); short protein forms L2104fs, L2125fs.
Identifiers: ClinVar variation 1752801 (VCV001752801.2), dbSNP rs2508749872, ClinGen allele CA2580093323.

ClinVar aggregate classification (germline): Pathogenic (1 of 4 stars; one submission).

Conditions:
Cardiovascular phenotype. Identifiers: MedGen CN230736.
Hereditary cancer-predisposing syndrome. Also called: Neoplastic Syndromes, Hereditary; Tumor predisposition; Hereditary Cancer Syndrome; Hereditary neoplastic syndrome. Identifiers: Orphanet 140162, MedGen C0027672, MeSH D009386, MONDO:0015356.

Submission:

Ambry Genetics
Classification: Pathogenic for Cardiovascular phenotype; Hereditary cancer-predisposing syndrome. Last evaluated: 2020-09-23. Review status: criteria provided, single submitter. Criteria: Ambry Variant Classification Scheme 2023. Collection method: clinical testing. Allele origin: germline.
Comment: The c.6311_6314delTGGTinsAC pathogenic mutation, located in coding exon 41 of the NF1 gene, results from the deletion of 4 nucleotides and insertion of two nucleotides causing a translational frameshift with a predicted alternate stop codon (p.L2104Hfs*3). This alteration is expected to result in loss of function by premature protein truncation or nonsense-mediated mRNA decay. As such, this alteration is interpreted as a disease-causing mutation.